The following is an entry in ClinVar:

ClinVar aggregate classification (germline): Uncertain significance (1 of 4 stars; one submission).

Conditions:
Capillary malformation-arteriovenous malformation syndrome. Also called: Capillary malformation-arteriovenous malformation. Identifiers: Orphanet 137667, MedGen C1842180, MONDO:0012016.

Submission:

Labcorp Genetics (formerly Invitae), Labcorp
Classification: Uncertain significance for Capillary malformation-arteriovenous malformation syndrome. Last evaluated: 2025-05-19. Review status: criteria provided, single submitter. Criteria: Invitae Variant Classification Sherloc (09022015). Collection method: clinical testing. Allele origin: germline.
Comment: This sequence change replaces glycine, which is neutral and non-polar, with arginine, which is basic and polar, at codon 354 of the RASA1 protein (p.Gly354Arg). This variant is not present in population databases (gnomAD no frequency). This variant has not been reported in the literature in individuals affected with RASA1-related conditions. An algorithm developed to predict the effect of missense changes on protein structure and function (PolyPhen-2) suggests that this variant is likely to be tolerated. In summary, the available evidence is currently insufficient to determine the role of this variant in disease. Therefore, it has been classified as a Variant of Uncertain Significance.

NM_002890.3(RASA1):c.1060G>C (p.Gly354Arg)

Genes: CCNH (cyclin H; minus strand), RASA1 (RAS p21 protein activator 1; plus strand). Cytogenetic location: 5q14.3.
Variant type: single nucleotide variant.
Coding change: c.1060G>C on transcript NM_002890.3 (MANE Select); coding-DNA position 1060, G replaced by C.
Protein change: p.Gly354Arg; replaces glycine 354 with arginine.
Molecular consequence: missense variant. On other transcripts: intron variant (1).
Genome position (GRCh38, 1-based): chr5:87,346,682, G>C. VCF-style: chr5-87346682-G-C. GRCh37 (hg19) VCF-style: chr5-86642499-G-C.
Other names: c.529G>C, p.Gly177Arg (NM_022650.3); c.934-33887C>G (NM_001364075.2); short protein forms G354R, G177R.
Identifiers: ClinVar variation 4739015 (VCV004739015.1).
Genomic context (GRCh38, chr5:87,346,682, plus strand): 5'-TAACAGCAAAAAGGACTTTATTTATATATCTAATTTATTCTCTTTTTAAGATGGTTCCAT[G>C]GGAAGATTTCCAAACAGGAAGCTTATAATTTACTAATGACAGGTACTTACATATTTACTT-3'
Protein context (NP_002881.1, residues 344-364): DPHEGKIWFH[Gly354Arg]KISKQEAYNL